The following is an entry in ClinVar:

NM_001005501.2(OR4K2):c.216T>G (p.Ser72=)

Gene: OR4K2 (olfactory receptor family 4 subfamily K member 2; plus strand). Cytogenetic location: 14q11.2.
Variant type: single nucleotide variant.
Coding change: c.216T>G on transcript NM_001005501.2 (MANE Select); coding-DNA position 216, T replaced by G.
Protein change: p.Ser72=; no amino-acid change (serine 72 retained).
Molecular consequence: synonymous variant.
Genome position (GRCh38, 1-based): chr14:19,876,483, T>G. VCF-style: chr14-19876483-T-G. GRCh37 (hg19) VCF-style: chr14-20344642-T-G.
Other names: c.216T>G (NM_001005501.1).
Identifiers: ClinVar variation 2644036 (VCV002644036.24), dbSNP rs200231235, ClinGen allele CA7073667.

ClinVar aggregate classification (germline): Likely benign. Review status: criteria provided, multiple submitters, no conflicts (2 of 4 stars). 2 submissions from 2 submitters: Likely benign (2). Last evaluated 2025-03-25.

Allele frequency attached by ClinVar (database versions not stated): gnomAD 0.00009; ExAC 0.00013.
gnomAD v4.1: 168 of 1,614,170 alleles (0.01%); highest among the groups gnomAD compares: Middle Eastern, 0.066%; no homozygotes.

Submissions (2):

Ambry Genetics
Classification: Likely benign. Last evaluated: 2025-03-25. Review status: criteria provided, single submitter. Criteria: Ambry Variant Classification Scheme 2023. Collection method: clinical testing. Allele origin: germline.

CeGaT Center for Human Genetics Tuebingen
Classification: Likely benign. Last evaluated: 2023-01-01. Review status: criteria provided, single submitter. Criteria: CeGaT Center For Human Genetics Tuebingen Variant Classification Criteria Version 2. Collection method: clinical testing. Allele origin: germline. Affected: yes. Observed: 1 variant allele.
Comment: OR4K2: BP4, BP7